The following is an entry in ClinVar:

ClinVar aggregate classification (germline): Conflicting classifications of pathogenicity. Review status: criteria provided, conflicting classifications (1 of 4 stars). 3 submissions from 3 submitters: Uncertain significance (2); Likely benign (1). Last evaluated 2025-10-16.

Allele frequency attached by ClinVar (database versions not stated): ExAC 0.00003; TOPMed 0.00005; gnomAD exomes 0.00006 and 0.00025; ESP Exome Variant Server 0.00009; gnomAD 0.00009.
gnomAD v4.1: 274 of 1,195,771 alleles (0.023%); highest among the groups gnomAD compares: Non-Finnish European, 0.03%; no homozygotes.

Submissions (3):

Labcorp Genetics (formerly Invitae), Labcorp
Classification: Uncertain significance. Last evaluated: 2025-10-16. Review status: criteria provided, single submitter. Criteria: Invitae Variant Classification Sherloc (09022015). Collection method: clinical testing. Allele origin: germline.
Comment: This sequence change replaces aspartic acid, which is acidic and polar, with asparagine, which is neutral and polar, at codon 1097 of the CACNA1F protein (p.Asp1097Asn). This variant is present in population databases (rs141623820, gnomAD 0.01%). This missense change has been observed in individuals with CACNA1F-related conditions (PMID: 28341476, 37206923; internal data). ClinVar contains an entry for this variant (Variation ID: 965497). Invitae Evidence Modeling of protein sequence and biophysical properties (such as structural, functional, and spatial information, amino acid conservation, physicochemical variation, residue mobility, and thermodynamic stability) indicates that this missense variant is not expected to disrupt CACNA1F protein function with a negative predictive value of 80%. In summary, the available evidence is currently insufficient to determine the role of this variant in disease. Therefore, it has been classified as a Variant of Uncertain Significance.

CeGaT Center for Human Genetics Tuebingen
Classification: Uncertain significance. Last evaluated: 2024-07-01. Review status: criteria provided, single submitter. Criteria: CeGaT Center For Human Genetics Tuebingen Variant Classification Criteria Version 2. Collection method: clinical testing. Allele origin: germline. Affected: yes. Observed: 2 variant alleles.
Comment: CACNA1F: PS4:Moderate, PM2:Supporting, PP3, PS3:Supporting

Blueprint Genetics
Classification: Likely benign. Last evaluated: 2023-09-20. Review status: criteria provided, single submitter. Criteria: ACMG Guidelines, 2015. Collection method: clinical testing. Allele origin: germline.

Literature cited by the submitters: PubMed 28341476 (cited by Labcorp Genetics (formerly Invitae), Labcorp); PubMed 37206923 (cited by Labcorp Genetics (formerly Invitae), Labcorp).

NM_001256789.3(CACNA1F):c.3256G>A (p.Asp1086Asn)

Gene: CACNA1F (calcium voltage-gated channel subunit alpha1 F; minus strand). Cytogenetic location: Xp11.23.
Variant type: single nucleotide variant.
Coding change: c.3256G>A on transcript NM_001256789.3 (MANE Select); coding-DNA position 3256, G replaced by A.
Protein change: p.Asp1086Asn; replaces aspartic acid 1086 with asparagine.
Molecular consequence: missense variant.
Genome position (GRCh38, 1-based): chrX:49,215,524, C>T on the plus strand (G>A on the coding strand, the complement: CACNA1F is on the minus strand). VCF-style: chrX-49215524-C-T. GRCh37 (hg19) VCF-style: chrX-49071984-C-T.
Other names: c.3094G>A, p.Asp1032Asn (NM_001256790.3); c.3289G>A, p.Asp1097Asn (NM_005183.4); short protein forms D1032N, D1086N, D1097N.
Identifiers: ClinVar variation 965497 (VCV000965497.26), dbSNP rs141623820, ClinGen allele CA10410483.